The following is an entry in ClinVar:

ClinVar aggregate classification (germline): Uncertain significance (1 of 4 stars; one submission).

Conditions:
Primary ciliary dyskinesia. Also called: Ciliary dyskinesia. Identifiers: Orphanet 244, MedGen C0008780, MONDO:0016575, HP:0012265.

Allele frequency attached by ClinVar (database versions not stated): gnomAD exomes 0.00003.
gnomAD v4.1: 47 of 1,613,158 alleles (0.0029%); highest among the groups gnomAD compares: Non-Finnish European, 0.0039%; no homozygotes.

Submission:

Labcorp Genetics (formerly Invitae), Labcorp
Classification: Uncertain significance for Primary ciliary dyskinesia. Last evaluated: 2022-10-18. Review status: criteria provided, single submitter. Criteria: Invitae Variant Classification Sherloc (09022015). Collection method: clinical testing. Allele origin: germline.
Comment: In summary, the available evidence is currently insufficient to determine the role of this variant in disease. Therefore, it has been classified as a Variant of Uncertain Significance. Advanced modeling of protein sequence and biophysical properties (such as structural, functional, and spatial information, amino acid conservation, physicochemical variation, residue mobility, and thermodynamic stability) performed at Invitae indicates that this missense variant is expected to disrupt DNAH8 protein function. This variant has not been reported in the literature in individuals affected with DNAH8-related conditions. This variant is present in population databases (rs772344943, gnomAD 0.002%). This sequence change replaces aspartic acid, which is acidic and polar, with glycine, which is neutral and non-polar, at codon 3470 of the DNAH8 protein (p.Asp3470Gly).

NM_001206927.2(DNAH8):c.10409A>G (p.Asp3470Gly)

Genes: DNAH8 (dynein axonemal heavy chain 8; plus strand), DNAH8-AS1 (DNAH8 antisense RNA 1; minus strand). Cytogenetic location: 6p21.2.
Variant type: single nucleotide variant.
Coding change: c.10409A>G on transcript NM_001206927.2 (MANE Select); coding-DNA position 10409, A replaced by G.
Protein change: p.Asp3470Gly; replaces aspartic acid 3470 with glycine.
Molecular consequence: missense variant.
Genome position (GRCh38, 1-based): chr6:38,918,025, A>G. VCF-style: chr6-38918025-A-G. GRCh37 (hg19) VCF-style: chr6-38885801-A-G.
Other names: c.9758A>G, p.Asp3253Gly (NM_001371.4); short protein forms D3253G, D3470G.
Identifiers: ClinVar variation 2165837 (VCV002165837.4), dbSNP rs772344943, ClinGen allele CA137579879.